The following is an entry in ClinVar:

ClinVar aggregate classification (germline): Likely pathogenic (1 of 4 stars; one submission).

Conditions:
Developmental and epileptic encephalopathy, 42 (DEE42A). Also called: DEVELOPMENTAL AND EPILEPTIC ENCEPHALOPATHY 42A; EPILEPTIC ENCEPHALOPATHY, EARLY INFANTILE, 42A; Epileptic encephalopathy, early infantile, 42. Identifiers: MedGen C4310716, MONDO:0014917, OMIM 617106.
Episodic ataxia type 2 (EA2). Also called: EPISODIC ATAXIA, NYSTAGMUS-ASSOCIATED; ACETAZOLAMIDE-RESPONSIVE HEREDITARY PAROXYSMAL CEREBELLAR ATAXIA; ATAXIA, EPISODIC, WITH NYSTAGMUS; ATAXIA, FAMILIAL PAROXYSMAL; CEREBELLAR ATAXIA, PAROXYSMAL, ACETAZOLAMIDE-RESPONSIVE; CEREBELLOPATHY, HEREDITARY PAROXYSMAL. Identifiers: Orphanet 97, MedGen C1720416, MONDO:0007163, OMIM 108500.

Submission:

Labcorp Genetics (formerly Invitae), Labcorp
Classification: Likely pathogenic for Developmental and epileptic encephalopathy, 42; Episodic ataxia type 2. Last evaluated: 2020-07-31. Review status: criteria provided, single submitter. Criteria: Invitae Variant Classification Sherloc (09022015). Collection method: clinical testing. Allele origin: germline.
Comment: This variant has not been reported in the literature in individuals with CACNA1A-related conditions. This variant results in a copy number gain of the genomic region encompassing exon(s) 7-8 of the CACNA1A gene. While the exact position of this variant cannot be determined from the data, sub-genic copy number gains are generally in tandem (PMID: 25640679). This variant is predicted to be out-of-frame, and may result in an absent or disrupted protein product. Loss-of-function variants in CACNA1A are known to be pathogenic (PMID: 10371528, 19486177, 25735478, 27250579). In summary, the currently available evidence indicates that the variant is pathogenic, but additional data are needed to prove that conclusively. Therefore, this variant has been classified as Likely Pathogenic.

Literature cited by the submitters: PubMed 25640679; PubMed 10371528; PubMed 19486177; PubMed 25735478; PubMed 27250579.

NC_000019.9:g.(?_13445172)_(13446743_?)dup

Gene: CACNA1A (calcium voltage-gated channel subunit alpha1 A; minus strand). Cytogenetic location: 19p13.2.
Variant type: Duplication.
Identifiers: ClinVar variation 1067605 (VCV001067605.7).